The following is an entry in ClinVar:

NM_024675.4(PALB2):c.3201+3A>G

Gene: PALB2 (partner and localizer of BRCA2; minus strand). Cytogenetic location: 16p12.2.
Variant type: single nucleotide variant.
Coding change: c.3201+3A>G on transcript NM_024675.4 (MANE Select); 3 bases into the intron after coding-DNA position 3201, A replaced by G.
Molecular consequence: intron variant.
Genome position (GRCh38, 1-based): chr16:23,614,001, T>C on the plus strand (A>G on the coding strand, the complement: PALB2 is on the minus strand). VCF-style: chr16-23614001-T-C. GRCh37 (hg19) VCF-style: chr16-23625322-T-C.
Other names: c.3201+3A>G (NM_024675.3).
Identifiers: ClinVar variation 1036851 (VCV001036851.8), dbSNP rs876660215, ClinGen allele CA2213432444.

ClinVar aggregate classification (germline): Uncertain significance. Review status: criteria provided, multiple submitters, no conflicts (2 of 4 stars). 2 submissions from 2 submitters: Uncertain significance (2). Last evaluated 2024-08-21.

Conditions:
Hereditary cancer-predisposing syndrome. Also called: Neoplastic Syndromes, Hereditary; Hereditary Cancer Syndrome; Tumor predisposition; Hereditary neoplastic syndrome. Identifiers: Orphanet 140162, MedGen C0027672, MeSH D009386, MONDO:0015356.
Familial cancer of breast. Also called: hereditary breast carcinoma; Hereditary breast cancer; BREAST CANCER, FAMILIAL. Identifiers: Orphanet 227535, MedGen C0346153, MONDO:0016419, OMIM 114480. Disease mechanism: loss of function.

Submissions (2):

Ambry Genetics
Classification: Uncertain significance for Hereditary cancer-predisposing syndrome. Last evaluated: 2024-08-21. Review status: criteria provided, single submitter. Criteria: Ambry Variant Classification Scheme 2023. Collection method: clinical testing. Allele origin: germline.
Comment: The c.3201+3A>G intronic variant results from an A to G substitution 3 nucleotides after coding exon 11 in the PALB2 gene. This nucleotide position is well conserved in available vertebrate species. In silico splice site analysis predicts that this alteration will not have any significant effect on splicing. Based on the available evidence, the clinical significance of this variant remains unclear.

Labcorp Genetics (formerly Invitae), Labcorp
Classification: Uncertain significance for Familial cancer of breast. Last evaluated: 2021-06-02. Review status: criteria provided, single submitter. Criteria: Invitae Variant Classification Sherloc (09022015). Collection method: clinical testing. Allele origin: germline.
Comment: In summary, the available evidence is currently insufficient to determine the role of this variant in disease. Therefore, it has been classified as a Variant of Uncertain Significance. Nucleotide substitutions within the consensus splice site are a relatively common cause of aberrant splicing (PMID: 17576681, 9536098). Algorithms developed to predict the effect of sequence changes on RNA splicing suggest that this variant is not likely to affect RNA splicing, but this prediction has not been confirmed by published transcriptional studies. This variant has not been reported in the literature in individuals with PALB2-related conditions. This variant is not present in population databases (ExAC no frequency). This sequence change falls in intron 11 of the PALB2 gene. It does not directly change the encoded amino acid sequence of the PALB2 protein, but it affects a nucleotide within the consensus splice site of the intron.

Literature cited by the submitters: PubMed 17576681 (cited by Labcorp Genetics (formerly Invitae), Labcorp); PubMed 9536098 (cited by Labcorp Genetics (formerly Invitae), Labcorp).